The following is an entry in ClinVar:

NM_001103.4(ACTN2):c.1017C>G (p.Cys339Trp)

Gene: ACTN2 (actinin alpha 2; plus strand). Cytogenetic location: 1q43.
Variant type: single nucleotide variant.
Coding change: c.1017C>G on transcript NM_001103.4 (MANE Select); coding-DNA position 1017, C replaced by G.
Protein change: p.Cys339Trp; replaces cysteine 339 with tryptophan.
Molecular consequence: missense variant. On other transcripts: non-coding transcript variant (1).
Genome position (GRCh38, 1-based): chr1:236,739,442, C>G. VCF-style: chr1-236739442-C-G. GRCh37 (hg19) VCF-style: chr1-236902742-C-G.
Other names: c.1017C>G, p.Cys339Trp (NM_001278343.2); c.393C>G, p.Cys131Trp (NM_001278344.2); c.267C>G, p.Cys89Trp (NM_001412150.1); short protein forms C89W, C131W, C339W.
Identifiers: ClinVar variation 2447694 (VCV002447694.2), dbSNP rs2527599693, ClinGen allele CA345380607.

ClinVar aggregate classification (germline): Uncertain significance (1 of 4 stars; one submission).

Conditions:
Cardiovascular phenotype. Identifiers: MedGen CN230736.

Submission:

Ambry Genetics
Classification: Uncertain significance for Cardiovascular phenotype. Last evaluated: 2023-02-08. Review status: criteria provided, single submitter. Criteria: Ambry Variant Classification Scheme 2023. Collection method: clinical testing. Allele origin: germline.
Comment: The p.C339W variant (also known as c.1017C>G), located in coding exon 10 of the ACTN2 gene, results from a C to G substitution at nucleotide position 1017. The cysteine at codon 339 is replaced by tryptophan, an amino acid with highly dissimilar properties. This amino acid position is conserved. In addition, the in silico prediction for this alteration is inconclusive. Since supporting evidence is limited at this time, the clinical significance of this alteration remains unclear.